The following is an entry in ClinVar:

NM_001378778.1(MPDZ):c.1274G>A (p.Gly425Glu)

Gene: MPDZ (multiple PDZ domain crumbs cell polarity complex component; minus strand). Cytogenetic location: 9p23.
Variant type: single nucleotide variant.
Coding change: c.1274G>A on transcript NM_001378778.1 (MANE Select); coding-DNA position 1274, G replaced by A.
Protein change: p.Gly425Glu; replaces glycine 425 with glutamic acid.
Molecular consequence: missense variant.
Genome position (GRCh38, 1-based): chr9:13,216,790, C>T on the plus strand (G>A on the coding strand, the complement: MPDZ is on the minus strand). VCF-style: chr9-13216790-C-T. GRCh37 (hg19) VCF-style: chr9-13216789-C-T.
Other names: c.1274G>A, p.Gly425Glu (NM_001261406.2, NM_001261407.2, NM_001330637.2 and 14 more transcripts); short protein forms G425E.
Identifiers: ClinVar variation 1402499 (VCV001402499.6), dbSNP rs760770883, ClinGen allele CA372944549.

ClinVar aggregate classification (germline): Uncertain significance (1 of 4 stars; one submission).

gnomAD v4.1: 7 of 1,608,566 alleles (0.00044%); highest among the groups gnomAD compares: Middle Eastern, 0.017%; no homozygotes.

Submission:

Labcorp Genetics (formerly Invitae), Labcorp
Classification: Uncertain significance. Last evaluated: 2022-07-05. Review status: criteria provided, single submitter. Criteria: Invitae Variant Classification Sherloc (09022015). Collection method: clinical testing. Allele origin: germline.
Comment: In summary, the available evidence is currently insufficient to determine the role of this variant in disease. Therefore, it has been classified as a Variant of Uncertain Significance. Algorithms developed to predict the effect of missense changes on protein structure and function (SIFT, PolyPhen-2, Align-GVGD) all suggest that this variant is likely to be disruptive. ClinVar contains an entry for this variant (Variation ID: 1402499). This variant has not been reported in the literature in individuals affected with MPDZ-related conditions. This variant is not present in population databases (gnomAD no frequency). This sequence change replaces glycine, which is neutral and non-polar, with glutamic acid, which is acidic and polar, at codon 425 of the MPDZ protein (p.Gly425Glu).